The following is an entry in ClinVar:

NM_015662.3(IFT172):c.442A>G (p.Ile148Val)

Gene: IFT172 (intraflagellar transport 172; minus strand). Cytogenetic location: 2p23.3.
Variant type: single nucleotide variant.
Coding change: c.442A>G on transcript NM_015662.3 (MANE Select); coding-DNA position 442, A replaced by G.
Protein change: p.Ile148Val; replaces isoleucine 148 with valine.
Molecular consequence: missense variant.
Genome position (GRCh38, 1-based): chr2:27,483,620, T>C on the plus strand (A>G on the coding strand, the complement: IFT172 is on the minus strand). VCF-style: chr2-27483620-T-C. GRCh37 (hg19) VCF-style: chr2-27706487-T-C.
Other names: c.442A>G (NM_015662.1); short protein forms I148V.
Identifiers: ClinVar variation 1062938 (VCV001062938.15), dbSNP rs759861487, ClinGen allele CA1580982.

ClinVar aggregate classification (germline): Uncertain significance. Review status: criteria provided, multiple submitters, no conflicts (2 of 4 stars). 8 submissions from 8 submitters: Uncertain significance (8). Last evaluated 2026-06-24.

Conditions:
Bardet-Biedl syndrome 20. Identifiers: MedGen C4310707, MONDO:0023670, OMIM 619471, MONDO:0014926.
Short-rib thoracic dysplasia 10 with or without polydactyly (SRTD10). Identifiers: Orphanet 474, MedGen C3810175, MONDO:0014284, OMIM 615630.
Inborn genetic diseases. Identifiers: MedGen C0950123, MeSH D030342.
Retinitis pigmentosa 71 (RP71). Identifiers: Orphanet 791, MedGen C4225342, MONDO:0014618, OMIM 616394.
IFT172-related disorder. Also called: IFT172-related disorders; IFT172-related condition.

Allele frequency attached by ClinVar (database versions not stated): ExAC 0.00003; TOPMed 0.00004; gnomAD 0.00005 and 0.00006; gnomAD exomes 0.00006.
gnomAD v4.1: 49 of 1,614,192 alleles (0.003%); highest among the groups gnomAD compares: South Asian, 0.016%; no homozygotes.

Submissions (8):

PreventionGenetics, part of Exact Sciences
Classification: Uncertain significance for IFT172-related condition. Last evaluated: 2026-06-24. Review status: criteria provided, single submitter. Criteria: ACMG Guidelines, 2015. Collection method: clinical testing. Allele origin: germline.
Comment: The IFT172 c.442A>G variant is predicted to result in the amino acid substitution p.Ile148Val. To our knowledge, this variant has not been reported in the literature. This variant is reported in 0.035% of alleles in individuals of East Asian descent in gnomAD. At this time, the clinical significance of this variant is uncertain due to the absence of conclusive functional and genetic evidence.

GeneDx
Classification: Uncertain significance. Last evaluated: 2025-11-03. Review status: criteria provided, single submitter. Criteria: GeneDx Variant Classification Process June 2021. Collection method: clinical testing. Allele origin: germline. Affected: yes.
Comment: Has not been previously published as pathogenic or benign to our knowledge; In silico analysis suggests that this missense variant does not alter protein structure/function

Ambry Genetics
Classification: Uncertain significance for Inborn genetic diseases. Last evaluated: 2025-02-04. Review status: criteria provided, single submitter. Criteria: Ambry Variant Classification Scheme 2023. Collection method: clinical testing. Allele origin: germline.

Blueprint Genetics
Classification: Uncertain significance. Last evaluated: 2024-05-30. Review status: criteria provided, single submitter. Criteria: ACMG Guidelines, 2015. Collection method: clinical testing. Allele origin: germline.

Department of Pathology and Laboratory Medicine, Sinai Health System
Classification: Uncertain significance for Short-rib thoracic dysplasia 10 with or without polydactyly; Bardet-Biedl syndrome 20. Last evaluated: 2022-11-19. Review status: criteria provided, single submitter. Criteria: ACMG Guidelines, 2015. Collection method: research. Allele origin: germline.

New York Genome Center
Classification: Uncertain significance for Retinitis pigmentosa 71; Bardet-Biedl syndrome 20; Short-rib thoracic dysplasia 10 with or without polydactyly. Last evaluated: 2022-10-26. Review status: criteria provided, single submitter. Criteria: NYGC Assertion Criteria 2020. Collection method: clinical testing. Allele origin: germline. Observed: 1 heterozygote.

Labcorp Genetics (formerly Invitae), Labcorp
Classification: Uncertain significance for Retinitis pigmentosa 71; Short-rib thoracic dysplasia 10 with or without polydactyly. Last evaluated: 2022-10-25. Review status: criteria provided, single submitter. Criteria: Invitae Variant Classification Sherloc (09022015). Collection method: clinical testing. Allele origin: germline.
Comment: This sequence change replaces isoleucine, which is neutral and non-polar, with valine, which is neutral and non-polar, at codon 148 of the IFT172 protein (p.Ile148Val). This variant is present in population databases (rs759861487, gnomAD 0.04%). This variant has not been reported in the literature in individuals affected with IFT172-related conditions. ClinVar contains an entry for this variant (Variation ID: 1062938). Advanced modeling of protein sequence and biophysical properties (such as structural, functional, and spatial information, amino acid conservation, physicochemical variation, residue mobility, and thermodynamic stability) performed at Invitae indicates that this missense variant is not expected to disrupt IFT172 protein function. In summary, the available evidence is currently insufficient to determine the role of this variant in disease. Therefore, it has been classified as a Variant of Uncertain Significance.

Fulgent Genetics
Classification: Uncertain significance for Short-rib thoracic dysplasia 10 with or without polydactyly; Retinitis pigmentosa 71; Bardet-Biedl syndrome 20. Last evaluated: 2021-09-14. Review status: criteria provided, single submitter. Criteria: ACMG Guidelines, 2015. Collection method: clinical testing. Allele origin: unknown.